The following is an entry in ClinVar:

NM_004260.4(RECQL4):c.3251G>A (p.Ser1084Asn)

Gene: RECQL4 (RecQ like helicase 4; minus strand). Cytogenetic location: 8q24.3.
Variant type: single nucleotide variant.
Coding change: c.3251G>A on transcript NM_004260.4 (MANE Select); coding-DNA position 3251, G replaced by A.
Protein change: p.Ser1084Asn; replaces serine 1084 with asparagine.
Molecular consequence: missense variant.
Genome position (GRCh38, 1-based): chr8:144,512,053, C>T on the plus strand (G>A on the coding strand, the complement: RECQL4 is on the minus strand). VCF-style: chr8-144512053-C-T. GRCh37 (hg19) VCF-style: chr8-145737436-C-T.
Other names: short protein forms S1084N.
Identifiers: ClinVar variation 1000423 (VCV001000423.1), dbSNP rs1362921798, ClinGen allele CA372669298.

ClinVar aggregate classification (germline): Uncertain significance (1 of 4 stars; one submission).

Conditions:
Baller-Gerold syndrome (BGS). Also called: CRANIOSYNOSTOSIS WITH RADIAL DEFECTS. Identifiers: Orphanet 1225, MedGen C0265308, MONDO:0009039, OMIM 218600.

Submission:

Labcorp Genetics (formerly Invitae), Labcorp
Classification: Uncertain significance for Baller-Gerold syndrome. Last evaluated: 2020-08-26. Review status: criteria provided, single submitter. Criteria: Invitae Variant Classification Sherloc (09022015). Collection method: clinical testing. Allele origin: germline.
Comment: This sequence change replaces serine with asparagine at codon 1084 of the RECQL4 protein (p.Ser1084Asn). The serine residue is highly conserved and there is a small physicochemical difference between serine and asparagine. This variant is not present in population databases (ExAC no frequency). This variant has not been reported in the literature in individuals with RECQL4-related conditions. Experimental studies and prediction algorithms are not available or were not evaluated, and the functional significance of this variant is currently unknown. In summary, the available evidence is currently insufficient to determine the role of this variant in disease. Therefore, it has been classified as a Variant of Uncertain Significance.